The following is an entry in ClinVar:

NM_002240.5(KCNJ6):c.1114G>A (p.Glu372Lys)

Genes: KCNJ6 (potassium inwardly rectifying channel subfamily J member 6; minus strand), KCNJ6-AS1 (KCNJ6 antisense RNA 1; plus strand). Cytogenetic location: 21q22.13.
Variant type: single nucleotide variant.
Coding change: c.1114G>A on transcript NM_002240.5 (MANE Select); coding-DNA position 1114, G replaced by A.
Protein change: p.Glu372Lys; replaces glutamic acid 372 with lysine.
Molecular consequence: missense variant.
Genome position (GRCh38, 1-based): chr21:37,625,317, C>T on the plus strand (G>A on the coding strand, the complement: KCNJ6 is on the minus strand). VCF-style: chr21-37625317-C-T. GRCh37 (hg19) VCF-style: chr21-38997619-C-T.
Other names: short protein forms E372K.
Identifiers: ClinVar variation 3769044 (VCV003769044.1).
Genomic context (GRCh38, chr21:37,625,317, plus strand): 5'-GTTGGTTGAGTTTGCTGGATACAGACCAACTCAGGGGCAGCTCTGCCCTGCTGGCTAACT[C>T]GGCCAGCTCTTTGGCACTAAGGGATGGGGTGCTGGTCTCATAGGTCTCATGGAAGCTGTT-3'
Protein context (NP_002231.1, residues 362-382): TPSLSAKELA[Glu372Lys]LASRAELPLS

ClinVar aggregate classification (germline): Uncertain significance (1 of 4 stars; one submission).

gnomAD v4.1: 17 of 1,614,092 alleles (0.0011%); highest among the groups gnomAD compares: African/African-American, 0.0027%; no homozygotes.

Submission:

Women's Health and Genetics/Laboratory Corporation of America, LabCorp
Classification: Uncertain significance. Last evaluated: 2025-02-14. Review status: criteria provided, single submitter. Criteria: LabCorp Variant Classification Summary - May 2015. Collection method: clinical testing. Allele origin: germline.
Comment: Variant summary: KCNJ6 c.1114G>A (p.Glu372Lys) results in a conservative amino acid change located in the C-terminal domain (IPR041647) of the encoded protein sequence. Three of five in-silico tools predict a benign effect of the variant on protein function. The variant allele was found at a frequency of 8e-06 in 249188 control chromosomes (gnomAD). The available data on variant occurrences in the general population are insufficient to allow any conclusion about variant significance. To our knowledge, no occurrence of c.1114G>A in individuals affected with Keppen-Lubinsky Syndrome and no experimental evidence demonstrating its impact on protein function have been reported. No submitters have cited clinical-significance assessments for this variant to ClinVar. Based on the evidence outlined above, the variant was classified as uncertain significance.